The following is an entry in ClinVar:

NM_001220.5(CAMK2B):c.108C>A (p.Thr36=)

Gene: CAMK2B (calcium/calmodulin dependent protein kinase II beta; minus strand). Cytogenetic location: 7p13.
Variant type: single nucleotide variant.
Coding change: c.108C>A on transcript NM_001220.5 (MANE Select); coding-DNA position 108, C replaced by A.
Protein change: p.Thr36=; no amino-acid change (threonine 36 retained).
Molecular consequence: synonymous variant.
Genome position (GRCh38, 1-based): chr7:44,284,183, G>T on the plus strand (C>A on the coding strand, the complement: CAMK2B is on the minus strand). VCF-style: chr7-44284183-G-T. GRCh37 (hg19) VCF-style: chr7-44323782-G-T.
Other names: c.108C>A, p.Thr36= (NM_001293170.2, NM_172078.3, NM_172079.3 and 5 more transcripts).
Identifiers: ClinVar variation 4823591 (VCV004823591.4).

ClinVar aggregate classification (germline): Likely benign (1 of 4 stars; one submission).

Submission:

CeGaT Center for Human Genetics Tuebingen
Classification: Likely benign. Last evaluated: 2026-03-01. Review status: criteria provided, single submitter. Criteria: CeGaT Center For Human Genetics Tuebingen Variant Classification Criteria Version 2. Collection method: clinical testing. Allele origin: germline. Affected: yes. Observed: 1 variant allele.
Comment: CAMK2B: PM2:Supporting, BP4, BP7